The following is an entry in ClinVar:

NM_001349253.2(SCN11A):c.1842G>A (p.Leu614=)

Gene: SCN11A (sodium voltage-gated channel alpha subunit 11; minus strand). Cytogenetic location: 3p22.2.
Variant type: single nucleotide variant.
Coding change: c.1842G>A on transcript NM_001349253.2 (MANE Select); coding-DNA position 1842, G replaced by A.
Protein change: p.Leu614=; no amino-acid change (leucine 614 retained).
Molecular consequence: synonymous variant.
Genome position (GRCh38, 1-based): chr3:38,903,865, C>T on the plus strand (G>A on the coding strand, the complement: SCN11A is on the minus strand). VCF-style: chr3-38903865-C-T. GRCh37 (hg19) VCF-style: chr3-38945356-C-T.
Other names: c.1842G>A, p.Leu614= (NM_014139.3).
Identifiers: ClinVar variation 642771 (VCV000642771.5), dbSNP rs1368701003, ClinGen allele CA433336131.

ClinVar aggregate classification (germline): Uncertain significance (1 of 4 stars; one submission).

Conditions:
Hereditary sensory and autonomic neuropathy type 7. Also called: Neuropathy, hereditary sensory and autonomic, type VII; HSAN VII. Identifiers: Orphanet 391397, MedGen C3809882, MONDO:0014244, OMIM 615548.
Familial episodic pain syndrome with predominantly lower limb involvement. Also called: Episodic pain syndrome, familial, 3. Identifiers: Orphanet 391384, Orphanet 391392, MedGen C3809899, MONDO:0014247, OMIM 615552.

Allele frequency attached by ClinVar (database versions not stated): gnomAD 0.00001; TOPMed 0.00001; gnomAD exomes 0.00002.
gnomAD v4.1: 37 of 1,572,576 alleles (0.0024%); highest among the groups gnomAD compares: Non-Finnish European, 0.0029%; no homozygotes.

Submission:

Labcorp Genetics (formerly Invitae), Labcorp
Classification: Uncertain significance for Familial episodic pain syndrome with predominantly lower limb involvement; Hereditary sensory and autonomic neuropathy type 7. Last evaluated: 2024-03-29. Review status: criteria provided, single submitter. Criteria: Invitae Variant Classification Sherloc (09022015). Collection method: clinical testing. Allele origin: germline.
Comment: This sequence change affects codon 614 of the SCN11A mRNA. It is a 'silent' change, meaning that it does not change the encoded amino acid sequence of the SCN11A protein. This variant also falls at the last nucleotide of exon 12, which is part of the consensus splice site for this exon. This variant is present in population databases (no rsID available, gnomAD 0.01%). This variant has not been reported in the literature in individuals affected with SCN11A-related conditions. ClinVar contains an entry for this variant (Variation ID: 642771). Variants that disrupt the consensus splice site are a relatively common cause of aberrant splicing (PMID: 17576681, 9536098). Algorithms developed to predict the effect of sequence changes on RNA splicing suggest that this variant may disrupt the consensus splice site. In summary, the available evidence is currently insufficient to determine the role of this variant in disease. Therefore, it has been classified as a Variant of Uncertain Significance.

Literature cited by the submitters: PubMed 17576681; PubMed 9536098.